The following is an entry in ClinVar:

NM_024876.4(COQ8B):c.238C>T (p.Arg80Ter)

Gene: COQ8B (coenzyme Q8B; minus strand). Cytogenetic location: 19q13.2.
Variant type: single nucleotide variant.
Coding change: c.238C>T on transcript NM_024876.4 (MANE Select); coding-DNA position 238, C replaced by T.
Protein change: p.Arg80Ter; replaces arginine 80 with a stop codon.
Molecular consequence: nonsense.
Genome position (GRCh38, 1-based): chr19:40,714,118, G>A on the plus strand (C>T on the coding strand, the complement: COQ8B is on the minus strand). VCF-style: chr19-40714118-G-A. GRCh37 (hg19) VCF-style: chr19-41220023-G-A.
Other names: c.238C>T, p.Arg80Ter (NM_001142555.3); short protein forms R80*.
Identifiers: ClinVar variation 4853951 (VCV004853951.1).

ClinVar aggregate classification (germline): Pathogenic (1 of 4 stars; one submission).

Conditions:
Nephrotic syndrome, type 9 (NPHS9). Identifiers: Orphanet 656, MedGen C3809965, MONDO:0014257, OMIM 615573.

gnomAD v4.1: 4 of 1,614,160 alleles (0.00025%); highest among the groups gnomAD compares: African/African-American, 0.004%; no homozygotes.

Submission:

3billion
Classification: Pathogenic for Nephrotic syndrome, type 9. Last evaluated: 2025-12-02. Review status: criteria provided, single submitter. Criteria: ACMG Guidelines, 2015. Collection method: clinical testing. Allele origin: germline. Affected: yes.
Comment: The variant is observed at an extremely low frequency in the gnomAD v4.1.0 dataset (total allele frequency: <0.001%). Predicted Consequence/Location: Stop-gained (nonsense): predicted to result in a loss or disruption of normal protein function through nonsense-mediated decay (NMD) or protein truncation. Multiple pathogenic variants are reported downstream of the variant. Therefore, this variant is classified as Pathogenic according to the recommendation of ACMG/AMP guideline.